The following is an entry in ClinVar:

NM_032861.4(SERAC1):c.301G>A (p.Ala101Thr)

Gene: SERAC1 (serine active site containing 1; minus strand). Cytogenetic location: 6q25.3.
Variant type: single nucleotide variant.
Coding change: c.301G>A on transcript NM_032861.4 (MANE Select); coding-DNA position 301, G replaced by A.
Protein change: p.Ala101Thr; replaces alanine 101 with threonine.
Molecular consequence: missense variant. On other transcripts: non-coding transcript variant (1).
Genome position (GRCh38, 1-based): chr6:158,148,919, C>T on the plus strand (G>A on the coding strand, the complement: SERAC1 is on the minus strand). VCF-style: chr6-158148919-C-T. GRCh37 (hg19) VCF-style: chr6-158569951-C-T.
Other names: c.301G>A (NM_032861.3); short protein forms A101T.
Identifiers: ClinVar variation 2176359 (VCV002176359.6), dbSNP rs372028482, ClinGen allele CA150948478.

ClinVar aggregate classification (germline): Uncertain significance. Review status: criteria provided, multiple submitters, no conflicts (2 of 4 stars). 2 submissions from 2 submitters: Uncertain significance (2). Last evaluated 2025-08-25.

Conditions:
Inborn genetic diseases. Identifiers: MedGen C0950123, MeSH D030342.
3-methylglutaconic aciduria with deafness, encephalopathy, and Leigh-like syndrome (MEGDEL). Also called: 3-METHYLGLUTACONIC ACIDURIA, TYPE VI; SERAC1 Deficiency; MEGDEL syndrome. Identifiers: Orphanet 352328, MedGen C4040739, MONDO:0013875, OMIM 614739.

Allele frequency attached by ClinVar (database versions not stated): gnomAD exomes 0.00001; gnomAD 0.00007; TOPMed 0.00007; ESP Exome Variant Server 0.00008.
gnomAD v4.1: 19 of 1,612,210 alleles (0.0012%); highest among the groups gnomAD compares: African/African-American, 0.023%; no homozygotes.

Submissions (2):

Ambry Genetics
Classification: Uncertain significance for Inborn genetic diseases. Last evaluated: 2025-08-25. Review status: criteria provided, single submitter. Criteria: Ambry Variant Classification Scheme 2023. Collection method: clinical testing. Allele origin: germline.

Labcorp Genetics (formerly Invitae), Labcorp
Classification: Uncertain significance for 3-methylglutaconic aciduria with deafness, encephalopathy, and Leigh-like syndrome. Last evaluated: 2022-04-15. Review status: criteria provided, single submitter. Criteria: Invitae Variant Classification Sherloc (09022015). Collection method: clinical testing. Allele origin: germline.
Comment: In summary, the available evidence is currently insufficient to determine the role of this variant in disease. Therefore, it has been classified as a Variant of Uncertain Significance. Algorithms developed to predict the effect of missense changes on protein structure and function output the following: SIFT: "Tolerated"; PolyPhen-2: "Benign"; Align-GVGD: "Class C0". The threonine amino acid residue is found in multiple mammalian species, which suggests that this missense change does not adversely affect protein function. This variant has not been reported in the literature in individuals affected with SERAC1-related conditions. This variant is present in population databases (rs372028482, gnomAD 0.01%). This sequence change replaces alanine, which is neutral and non-polar, with threonine, which is neutral and polar, at codon 101 of the SERAC1 protein (p.Ala101Thr).